The following is an entry in ClinVar:

ClinVar aggregate classification (germline): Uncertain significance (1 of 4 stars; one submission).

Allele frequency attached by ClinVar (database versions not stated): gnomAD exomes 0.00001.
gnomAD v4.1: 3 of 1,613,976 alleles (0.00019%); highest among the groups gnomAD compares: Middle Eastern, 0.049%; no homozygotes.

Submission:

Labcorp Genetics (formerly Invitae), Labcorp
Classification: Uncertain significance. Last evaluated: 2022-11-22. Review status: criteria provided, single submitter. Criteria: Invitae Variant Classification Sherloc (09022015). Collection method: clinical testing. Allele origin: germline.
Comment: This variant is not present in population databases (gnomAD no frequency). This variant has not been reported in the literature in individuals affected with VCAN-related conditions. Algorithms developed to predict the effect of missense changes on protein structure and function are either unavailable or do not agree on the potential impact of this missense change (SIFT: "Deleterious"; PolyPhen-2: "Benign"; Align-GVGD: "Class C65"). In summary, the available evidence is currently insufficient to determine the role of this variant in disease. Therefore, it has been classified as a Variant of Uncertain Significance. This sequence change replaces proline, which is neutral and non-polar, with leucine, which is neutral and non-polar, at codon 760 of the VCAN protein (p.Pro760Leu).

NM_004385.5(VCAN):c.2279C>T (p.Pro760Leu)

Gene: VCAN (versican; plus strand). Cytogenetic location: 5q14.3.
Variant type: single nucleotide variant.
Coding change: c.2279C>T on transcript NM_004385.5 (MANE Select); coding-DNA position 2279, C replaced by T.
Protein change: p.Pro760Leu; replaces proline 760 with leucine.
Molecular consequence: missense variant. On other transcripts: intron variant (2).
Genome position (GRCh38, 1-based): chr5:83,520,585, C>T. VCF-style: chr5-83520585-C-T. GRCh37 (hg19) VCF-style: chr5-82816404-C-T.
Other names: c.2279C>T, p.Pro760Leu (NM_001164098.2); c.1042+8189C>T (NM_001164097.2, NM_001126336.3); short protein forms P760L.
Identifiers: ClinVar variation 1928474 (VCV001928474.5), dbSNP rs2479051840, ClinGen allele CA360303588.